The following is an entry in ClinVar:

ClinVar aggregate classification (germline): Uncertain significance (1 of 4 stars; one submission).

Conditions:
Primary dilated cardiomyopathy (DCM). Also called: Dilated Cardiomyopathy. Identifiers: Orphanet 217604, MedGen C0007193, MeSH D002311, MONDO:0005021, HP:0001644. Inheritance: Various modes of inheritance.

Allele frequency attached by ClinVar (database versions not stated): TOPMed below 0.00001; ExAC 0.00001; gnomAD exomes below 0.00001; gnomAD 0.00001.
gnomAD v4.1: 8 of 1,614,062 alleles (0.0005%); highest among the groups gnomAD compares: Non-Finnish European, 0.00068%; no homozygotes.

Submission:

Labcorp Genetics (formerly Invitae), Labcorp
Classification: Uncertain significance for Primary dilated cardiomyopathy. Last evaluated: 2025-09-08. Review status: criteria provided, single submitter. Criteria: Invitae Variant Classification Sherloc (09022015). Collection method: clinical testing. Allele origin: germline.
Comment: This sequence change replaces serine, which is neutral and polar, with phenylalanine, which is neutral and non-polar, at codon 138 of the TXNRD2 protein (p.Ser138Phe). This variant is present in population databases (rs776896078, gnomAD 0.002%). This variant has not been reported in the literature in individuals affected with TXNRD2-related conditions. ClinVar contains an entry for this variant (Variation ID: 2771960). Invitae Evidence Modeling of protein sequence and biophysical properties (such as structural, functional, and spatial information, amino acid conservation, physicochemical variation, residue mobility, and thermodynamic stability) indicates that this missense variant is expected to disrupt TXNRD2 protein function with a positive predictive value of 80%. In summary, the available evidence is currently insufficient to determine the role of this variant in disease. Therefore, it has been classified as a Variant of Uncertain Significance.

NM_006440.5(TXNRD2):c.413C>T (p.Ser138Phe)

Gene: TXNRD2 (thioredoxin reductase 2; minus strand). Cytogenetic location: 22q11.21.
Variant type: single nucleotide variant.
Coding change: c.413C>T on transcript NM_006440.5 (MANE Select); coding-DNA position 413, C replaced by T.
Protein change: p.Ser138Phe; replaces serine 138 with phenylalanine.
Molecular consequence: missense variant. On other transcripts: non-coding transcript variant (1).
Genome position (GRCh38, 1-based): chr22:19,918,179, G>A on the plus strand (C>T on the coding strand, the complement: TXNRD2 is on the minus strand). VCF-style: chr22-19918179-G-A. GRCh37 (hg19) VCF-style: chr22-19905702-G-A.
Other names: c.413C>T, p.Ser138Phe (NM_001282512.3); c.410C>T, p.Ser137Phe (NM_001352300.2); c.323C>T, p.Ser108Phe (NM_001352301.2); c.125C>T, p.Ser42Phe (NM_001352302.2); c.317C>T, p.Ser106Phe (NM_001352303.2); short protein forms S108F, S106F, S138F, S137F, S42F.
Identifiers: ClinVar variation 2771960 (VCV002771960.3), dbSNP rs776896078, ClinGen allele CA10104216.